The following is an entry in ClinVar:

ClinVar aggregate classification (germline): Uncertain significance (1 of 4 stars; one submission).

Conditions:
Inborn genetic diseases. Identifiers: MedGen C0950123, MeSH D030342.

Submission:

Ambry Genetics
Classification: Uncertain significance for Inborn genetic diseases. Last evaluated: 2025-01-30. Review status: criteria provided, single submitter. Criteria: Ambry Variant Classification Scheme 2023. Collection method: clinical testing. Allele origin: germline.
Comment: The p.I284M variant (also known as c.852A>G), located in coding exon 6 of the G6PC3 gene, results from an A to G substitution at nucleotide position 852. The isoleucine at codon 284 is replaced by methionine, an amino acid with highly similar properties. This amino acid position is conserved. In addition, this alteration is predicted to be tolerated by in silico analysis. Based on the available evidence, the clinical significance of this variant remains unclear.

NM_138387.4(G6PC3):c.852A>G (p.Ile284Met)

Gene: G6PC3 (glucose-6-phosphatase catalytic subunit 3; plus strand). Cytogenetic location: 17q21.31.
Variant type: single nucleotide variant.
Coding change: c.852A>G on transcript NM_138387.4 (MANE Select); coding-DNA position 852, A replaced by G.
Protein change: p.Ile284Met; replaces isoleucine 284 with methionine.
Molecular consequence: missense variant. On other transcripts: 3 prime UTR variant (1).
Genome position (GRCh38, 1-based): chr17:44,075,854, A>G. VCF-style: chr17-44075854-A-G. GRCh37 (hg19) VCF-style: chr17-42153222-A-G.
Other names: c.*145A>G (NM_001319945.2); c.507A>G, p.Ile169Met (NM_001384165.1, NM_001384166.1, NM_001384167.1 and 1 more transcripts); short protein forms I284M, I169M.
Identifiers: ClinVar variation 3852357 (VCV003852357.1).